The following is an entry in ClinVar:

ClinVar aggregate classification (germline): Uncertain significance (1 of 4 stars; one submission).

Conditions:
Familial thoracic aortic aneurysm and aortic dissection (TAAD). Also called: Thoracic aortic aneurysms and dissections. Identifiers: Orphanet 91387, MedGen C4707243, MONDO:0019625.

Submission:

Color Diagnostics, LLC DBA Color Health
Classification: Uncertain significance for Familial thoracic aortic aneurysm and aortic dissection. Last evaluated: 2025-10-12. Review status: criteria provided, single submitter. Criteria: ACMG Guidelines, 2015. Collection method: clinical testing. Allele origin: germline.
Comment: This missense variant replaces proline with threonine at codon 890 of the COL3A1 protein. Computational prediction is inconclusive regarding the impact of this variant on protein structure and function. To our knowledge, functional studies have not been reported for this variant. This variant has not been reported in individuals affected with COL3A1-related disorders in the literature. This variant has not been identified in the general population by the Genome Aggregation Database (gnomAD). The available evidence is insufficient to determine the role of this variant in disease conclusively. Therefore, this variant is classified as a Variant of Uncertain Significance.

NM_000090.4(COL3A1):c.2668C>A (p.Pro890Thr)

Gene: COL3A1 (collagen type III alpha 1 chain; plus strand). Cytogenetic location: 2q32.2.
Variant type: single nucleotide variant.
Coding change: c.2668C>A on transcript NM_000090.4 (MANE Select); coding-DNA position 2668, C replaced by A.
Protein change: p.Pro890Thr; replaces proline 890 with threonine.
Molecular consequence: missense variant.
Genome position (GRCh38, 1-based): chr2:189,003,988, C>A. VCF-style: chr2-189003988-C-A. GRCh37 (hg19) VCF-style: chr2-189868714-C-A.
Other names: short protein forms P890T.
Identifiers: ClinVar variation 4758171 (VCV004758171.1).